The following is an entry in ClinVar:

ClinVar aggregate classification (germline): Uncertain significance (0 of 4 stars; one submission).

Conditions:
CLCN3-related disorder. Also called: CLCN3-related condition.

Submission:

PreventionGenetics, part of Exact Sciences
Classification: Uncertain significance for CLCN3-related condition. Last evaluated: 2024-02-13. Review status: no assertion criteria provided. Collection method: clinical testing. Allele origin: germline.
Comment: The CLCN3 c.2366+1G>T variant is predicted to disrupt the GT donor site and interfere with normal splicing. To our knowledge, this variant has not been reported in the literature or in a large population database, indicating this variant is rare. At this time, the clinical significance of this variant is uncertain due to the absence of conclusive functional and genetic evidence.

NM_001829.4(CLCN3):c.2366+1G>T

Gene: CLCN3 (chloride voltage-gated channel 3; plus strand). Cytogenetic location: 4q33.
Variant type: single nucleotide variant.
Coding change: c.2366+1G>T on transcript NM_001829.4 (MANE Select); the canonical splice donor site of the intron after coding-DNA position 2366, G replaced by T.
Molecular consequence: splice donor variant.
Genome position (GRCh38, 1-based): chr4:169,713,296, G>T. VCF-style: chr4-169713296-G-T. GRCh37 (hg19) VCF-style: chr4-170634447-G-T.
Other names: c.2366+1G>T (NM_173872.4); c.2285+1G>T (NM_001243372.2, NM_001243374.2).
Identifiers: ClinVar variation 3036288 (VCV003036288.2), dbSNP rs2477159685, ClinGen allele CA358743260.